The following is an entry in ClinVar:

NM_006019.4(TCIRG1):c.104_105del (p.Val35fs)

Gene: TCIRG1 (T cell immune regulator 1, ATPase H+ transporting V0 subunit a3; plus strand). Cytogenetic location: 11q13.2.
Variant type: Deletion.
Coding change: c.104_105del on transcript NM_006019.4 (MANE Select); coding-DNA positions 104 to 105, 2 bases deleted (TG; older notation c.104_105delTG).
Protein change: p.Val35fs; shifts the reading frame from valine 35.
Molecular consequence: frameshift variant. On other transcripts: 5 prime UTR variant (1).
Genome position (GRCh38, 1-based): chr11:68,041,375-68,041,376, TG deleted; deleting any 2 consecutive bases within chr11:68,041,374-68,041,376 gives the same sequence; the c. name uses the placement nearest the transcript's 3' end. VCF-style (leftmost placement, unchanged base first): chr11-68041373-CGT-C. GRCh37 (hg19) VCF-style: chr11-67808840-CGT-C.
Other names: c.-1146_-1145del (NM_001351059.2); short protein forms V35fs.
Identifiers: ClinVar variation 4062064 (VCV004062064.2).

ClinVar aggregate classification (germline): Likely pathogenic (1 of 4 stars; one submission).

Conditions:
Autosomal recessive osteopetrosis 1. Also called: ALBERS-SCHONBERG DISEASE, AUTOSOMAL RECESSIVE; TCIRG1-Related Autosomal Recessive Osteopetrosis; TCIRG1-Related Osteopetrosis. Identifiers: Orphanet 667, MedGen C1850127, MONDO:0009815, OMIM 259700.

Submission:

Natera, Inc.
Classification: Likely pathogenic for Infantile malignant osteopetrosis. Last evaluated: 2025-03-06. Review status: criteria provided, single submitter. Criteria: Natera Variant Classification Schema (03/2026). Collection method: clinical testing. Allele origin: germline.
Comment: The c.104_105del variant in TCIRG1 is a frameshift variant predicted to shift the reading frame beginning at codon 35 and leads to a stop codon 19 codons downstream. This variant is expected to result in nonsense mediated decay, truncation, or a dysfunctional protein product. This variant is rare in the general population with a frequency below the threshold expected for the associated phenotype(s). Given the available evidence, this variant is classified as Likely Pathogenic.